The following is an entry in ClinVar:

ClinVar aggregate classification (germline): Uncertain significance (1 of 4 stars; one submission).

Allele frequency attached by ClinVar (database versions not stated): gnomAD exomes 0.00001.
gnomAD v4.1: 6 of 1,613,348 alleles (0.00037%); highest among the groups gnomAD compares: Non-Finnish European, 0.00051%; no homozygotes.

Submission:

Labcorp Genetics (formerly Invitae), Labcorp
Classification: Uncertain significance. Last evaluated: 2022-11-23. Review status: criteria provided, single submitter. Criteria: Invitae Variant Classification Sherloc (09022015). Collection method: clinical testing. Allele origin: germline.
Comment: In summary, the available evidence is currently insufficient to determine the role of this variant in disease. Therefore, it has been classified as a Variant of Uncertain Significance. Algorithms developed to predict the effect of missense changes on protein structure and function (SIFT, PolyPhen-2, Align-GVGD) all suggest that this variant is likely to be tolerated. This variant has not been reported in the literature in individuals affected with ADGRE2-related conditions. This variant is not present in population databases (gnomAD no frequency). This sequence change replaces glycine, which is neutral and non-polar, with alanine, which is neutral and non-polar, at codon 395 of the ADGRE2 protein (p.Gly395Ala).

NM_013447.4(ADGRE2):c.1184G>C (p.Gly395Ala)

Gene: ADGRE2 (adhesion G protein-coupled receptor E2; minus strand). Cytogenetic location: 19p13.12.
Variant type: single nucleotide variant.
Coding change: c.1184G>C on transcript NM_013447.4 (MANE Select); coding-DNA position 1184, G replaced by C.
Protein change: p.Gly395Ala; replaces glycine 395 with alanine.
Molecular consequence: missense variant.
Genome position (GRCh38, 1-based): chr19:14,756,246, C>G on the plus strand (G>C on the coding strand, the complement: ADGRE2 is on the minus strand). VCF-style: chr19-14756246-C-G. GRCh37 (hg19) VCF-style: chr19-14867058-C-G.
Other names: c.1184G>C, p.Gly395Ala (NM_001271052.1); c.1037G>C, p.Gly346Ala (NM_152916.2); c.905G>C, p.Gly302Ala (NM_152917.2); short protein forms G395A, G302A, G346A.
Identifiers: ClinVar variation 2795870 (VCV002795870.3), dbSNP rs2147283702, ClinGen allele CA404455919.
Genomic context (GRCh38, chr19:14,756,246, plus strand): 5'-ATCTTTTCCCACCATGAAGCTTCACTGACCACCTCCCCATCTCAGCCATTACCTGGGTCA[C>G]CAGATTTCTGTGCCTGATTCCAGTCGAGCTGCATCACTGCCTGATTCTGTCTCAAGGTGA-3'
Protein context (NP_038475.2, residues 385-405): QLDWNQAQKS[Gly395Ala]DPGPSVVGLV